The following is an entry in ClinVar:

ClinVar aggregate classification (germline): Pathogenic (1 of 4 stars; one submission).

Conditions:
Hereditary cancer-predisposing syndrome. Also called: Tumor predisposition; Hereditary neoplastic syndrome; Neoplastic Syndromes, Hereditary; Hereditary Cancer Syndrome. Identifiers: Orphanet 140162, MedGen C0027672, MeSH D009386, MONDO:0015356.

Submission:

Ambry Genetics
Classification: Pathogenic for Hereditary cancer-predisposing syndrome. Last evaluated: 2025-05-08. Review status: criteria provided, single submitter. Criteria: Ambry Variant Classification Scheme 2023. Collection method: clinical testing. Allele origin: germline.
Comment: The c.596_599dupAAGA pathogenic mutation, located in coding exon 5 of the CTNNA1 gene, results from a duplication of AAGA at nucleotide position 596, causing a translational frameshift with a predicted alternate stop codon (p.D200Efs*7). This variant is considered to be rare based on population cohorts in the Genome Aggregation Database (gnomAD). This alteration is expected to result in loss of function by premature protein truncation or nonsense-mediated mRNA decay. As such, this alteration is interpreted as a disease-causing mutation.

NM_001903.5(CTNNA1):c.596_599dup (p.Asp200fs)

Gene: CTNNA1 (catenin alpha 1; plus strand). Cytogenetic location: 5q31.2.
Variant type: Duplication.
Coding change: c.596_599dup on transcript NM_001903.5 (MANE Select); coding-DNA positions 596 to 599, 4 bases duplicated (AAGA; older notation c.596_599dupAAGA).
Protein change: p.Asp200fs; shifts the reading frame from aspartic acid 200.
Molecular consequence: frameshift variant.
Genome position (GRCh38, 1-based): chr5:138,824,537-138,824,540, AAGA duplicated; duplicating any 4 consecutive bases within chr5:138,824,535-138,824,540 gives the same sequence; the c. name uses the placement nearest the transcript's 3' end. VCF-style (leftmost placement, unchanged base first): chr5-138824534-T-TGAAA. GRCh37 (hg19) VCF-style: chr5-138160223-T-TGAAA.
Other names: c.596_599dup, p.Asp200fs (NM_001290307.3, NM_001323982.2, NM_001323983.1 and 3 more transcripts); c.287_290dup, p.Asp97fs (NM_001290309.3); c.227_230dup, p.Asp77fs (NM_001290310.3); short protein forms D200fs, D77fs, D97fs.
Identifiers: ClinVar variation 4007983 (VCV004007983.1).